The following is an entry in ClinVar:

NM_003024.3(ITSN1):c.5117C>A (p.Thr1706Lys)

Gene: ITSN1 (intersectin 1; plus strand). Cytogenetic location: 21q22.11.
Variant type: single nucleotide variant.
Coding change: c.5117C>A on transcript NM_003024.3 (MANE Select); coding-DNA position 5117, C replaced by A.
Protein change: p.Thr1706Lys; replaces threonine 1706 with lysine.
Molecular consequence: missense variant.
Genome position (GRCh38, 1-based): chr21:33,888,251, C>A. VCF-style: chr21-33888251-C-A. GRCh37 (hg19) VCF-style: chr21-35260555-C-A.
Other names: c.5102C>A, p.Thr1701Lys (NM_001331010.2); short protein forms T1701K, T1706K.
Identifiers: ClinVar variation 4083065 (VCV004083065.1).
Genomic context (GRCh38, chr21:33,888,251, plus strand): 5'-AGAAAGACCAGGGCTCCAAAGGTCCAGTTACGAAGTGTCTTCTGCTGCACGAAGTCCCCA[C>A]GGGAGAGATTGTGGTCCGCTTGGACCTGCAGTTGTTTGATGAGCCGTAGGCAGCGGGCTC-3'
Protein context (NP_003015.2, residues 1696-1716): TKCLLLHEVP[Thr1706Lys]GEIVVRLDLQ

ClinVar aggregate classification (germline): Uncertain significance (1 of 4 stars; one submission).

Submission:

GeneDx
Classification: Uncertain significance. Last evaluated: 2025-03-10. Review status: criteria provided, single submitter. Criteria: GeneDx Variant Classification Process June 2021. Collection method: clinical testing. Allele origin: germline. Affected: yes.
Comment: Not observed at significant frequency in large population cohorts (gnomAD); In silico analysis supports that this missense variant has a deleterious effect on protein structure/function; Has not been previously published as pathogenic or benign to our knowledge